The following is an entry in ClinVar:

ClinVar aggregate classification (germline): Conflicting classifications of pathogenicity. Review status: criteria provided, conflicting classifications (1 of 4 stars). 3 submissions from 3 submitters: Uncertain significance (1); Likely benign (2). Last evaluated 2026-04-28.

Conditions:
Colorectal cancer, hereditary nonpolyposis, type 7. Identifiers: Orphanet 144, MedGen C1858380, MONDO:0013725, OMIM 614385.

Allele frequency attached by ClinVar (database versions not stated): gnomAD exomes 0.00001.
gnomAD v4.1: 4 of 1,610,738 alleles (0.00025%); highest among the groups gnomAD compares: Non-Finnish European, 0.00034%; no homozygotes.

Submissions (3):

Myriad Genetics, Inc.
Classification: Likely benign for Colorectal cancer, hereditary nonpolyposis, type 7. Last evaluated: 2026-04-28. Review status: criteria provided, single submitter. Criteria: Myriad Autosomal Dominant, Autosomal Recessive and X-Linked Classification Criteria (2023). Collection method: clinical testing. Allele origin: unknown.
Comment: This variant is considered likely benign. This variant is intronic and is not expected to impact mRNA splicing.

Blueprint Genetics
Classification: Likely benign. Last evaluated: 2023-09-07. Review status: criteria provided, single submitter. Criteria: ACMG Guidelines, 2015. Collection method: clinical testing. Allele origin: germline.

Labcorp Genetics (formerly Invitae), Labcorp
Classification: Uncertain significance for Colorectal cancer, hereditary nonpolyposis, type 7. Last evaluated: 2022-08-23. Review status: criteria provided, single submitter. Criteria: Invitae Variant Classification Sherloc (09022015). Collection method: clinical testing. Allele origin: germline.
Comment: This sequence change falls in intron 4 of the MLH3 gene. It does not directly change the encoded amino acid sequence of the MLH3 protein. It affects a nucleotide within the consensus splice site. This variant is not present in population databases (gnomAD no frequency). This variant has not been reported in the literature in individuals affected with MLH3-related conditions. Variants that disrupt the consensus splice site are a relatively common cause of aberrant splicing (PMID: 17576681, 9536098). Algorithms developed to predict the effect of sequence changes on RNA splicing suggest that this variant is not likely to affect RNA splicing. In summary, the available evidence is currently insufficient to determine the role of this variant in disease. Therefore, it has been classified as a Variant of Uncertain Significance.

Literature cited by the submitters: PubMed 17576681 (cited by Labcorp Genetics (formerly Invitae), Labcorp); PubMed 9536098 (cited by Labcorp Genetics (formerly Invitae), Labcorp).

NM_001040108.2(MLH3):c.3465+3G>A

Gene: MLH3 (mutL homolog 3; minus strand). Cytogenetic location: 14q24.3.
Variant type: single nucleotide variant.
Coding change: c.3465+3G>A on transcript NM_001040108.2 (MANE Select); 3 bases into the intron after coding-DNA position 3465, G replaced by A.
Molecular consequence: intron variant.
Genome position (GRCh38, 1-based): chr14:75,041,612, C>T on the plus strand (G>A on the coding strand, the complement: MLH3 is on the minus strand). VCF-style: chr14-75041612-C-T. GRCh37 (hg19) VCF-style: chr14-75508315-C-T.
Other names: c.3465+3G>A (NM_014381.3).
Identifiers: ClinVar variation 2147943 (VCV002147943.6), dbSNP rs2139492072, ClinGen allele CA2580088749.